The following is an entry in ClinVar:

ClinVar aggregate classification (germline): Likely benign. Review status: criteria provided, multiple submitters, no conflicts (2 of 4 stars). 3 submissions from 3 submitters: Likely benign (2). 1 of the submissions does not count toward it. Last evaluated 2025-11-01.

Conditions:
Duchenne muscular dystrophy (DMD). Also called: Duchenne Muscular Dystrophy (DMD); MUSCULAR DYSTROPHY, PSEUDOHYPERTROPHIC PROGRESSIVE, DUCHENNE TYPE. Identifiers: Orphanet 98896, MedGen C0013264, MONDO:0010679, OMIM 310200.
Dystrophin deficiency.
Becker muscular dystrophy (BMD). Also called: Becker Muscular Dystrophy (BMD); MUSCULAR DYSTROPHY, PSEUDOHYPERTROPHIC PROGRESSIVE, BECKER TYPE. Identifiers: Orphanet 98895, MedGen C0917713, MONDO:0010311, OMIM 300376.
Cardiomyopathy (CMYO). Also called: Cardiomyopathies. Identifiers: Orphanet 167848, MedGen C0878544, MONDO:0004994, HP:0001638. Inheritance: Various modes of inheritance.

Allele frequency attached by ClinVar (database versions not stated): ExAC 0.00001; gnomAD 0.00001 and 0.00002; gnomAD exomes 0.00001; TOPMed 0.00002; ESP Exome Variant Server 0.00009.
gnomAD v4.1: 21 of 1,209,365 alleles (0.0017%); highest among the groups gnomAD compares: East Asian, 0.0059%; no homozygotes.

Submissions (3):

CeGaT Center for Human Genetics Tuebingen
Classification: Likely benign. Last evaluated: 2025-11-01. Review status: criteria provided, single submitter. Criteria: CeGaT Center For Human Genetics Tuebingen Variant Classification Criteria Version 2. Collection method: clinical testing. Allele origin: germline. Affected: yes. Observed: 1 variant allele.
Comment: DMD: BP4, BS2

Labcorp Genetics (formerly Invitae), Labcorp
Classification: Likely benign for Duchenne muscular dystrophy. Last evaluated: 2025-10-30. Review status: criteria provided, single submitter. Criteria: Invitae Variant Classification Sherloc (09022015). Collection method: clinical testing. Allele origin: germline.

Natera, Inc.
Classification: Uncertain significance for Becker muscular dystrophy; Cardiomyopathy; Duchenne muscular dystrophy; Dystrophin deficiency. Last evaluated: 2020-06-17. Review status: no assertion criteria provided. Collection method: clinical testing. Allele origin: germline. Not counted in ClinVar's aggregate classification.

NM_004006.3(DMD):c.8158C>T (p.Arg2720Cys)

Gene: DMD (dystrophin; minus strand). Cytogenetic location: Xp21.1.
Variant type: single nucleotide variant.
Coding change: c.8158C>T on transcript NM_004006.3 (MANE Select); coding-DNA position 8158, C replaced by T.
Protein change: p.Arg2720Cys; replaces arginine 2720 with cysteine.
Molecular consequence: missense variant.
Genome position (GRCh38, 1-based): chrX:31,627,732, G>A on the plus strand (C>T on the coding strand, the complement: DMD is on the minus strand). VCF-style: chrX-31627732-G-A. GRCh37 (hg19) VCF-style: chrX-31645849-G-A.
Other names: c.8134C>T, p.Arg2712Cys (NM_000109.4); c.8146C>T, p.Arg2716Cys (NM_004009.3); c.7789C>T, p.Arg2597Cys (NM_004010.3); c.4135C>T, p.Arg1379Cys (NM_004011.4); c.4126C>T, p.Arg1376Cys (NM_004012.4); c.778C>T, p.Arg260Cys (NM_004013.3, NM_004020.4, NM_004021.3 and 2 more transcripts); short protein forms R1376C, R1379C, R2712C, R2716C, R260C, R2720C, R2597C.
Identifiers: ClinVar variation 965215 (VCV000965215.13), dbSNP rs375657730, ClinGen allele CA10378136.